The following is an entry in ClinVar:

NM_001145418.2(TTC28):c.5372G>A (p.Arg1791Gln)

Genes: TTC28 (tetratricopeptide repeat domain 28; minus strand), TTC28-AS1 (TTC28 antisense RNA 1; plus strand). Cytogenetic location: 22q12.1.
Variant type: single nucleotide variant.
Coding change: c.5372G>A on transcript NM_001145418.2 (MANE Select); coding-DNA position 5372, G replaced by A.
Protein change: p.Arg1791Gln; replaces arginine 1791 with glutamine.
Molecular consequence: missense variant.
Genome position (GRCh38, 1-based): chr22:27,993,391, C>T on the plus strand (G>A on the coding strand, the complement: TTC28 is on the minus strand). VCF-style: chr22-27993391-C-T. GRCh37 (hg19) VCF-style: chr22-28389379-C-T.
Other names: NC_000022.10:g.28389379C>T; c.5372G>A, p.Arg1791Gln (NM_001393403.1); c.5018G>A, p.Arg1673Gln (NM_001393404.1, NM_001393405.1); short protein forms R1791Q, R1673Q.
Identifiers: ClinVar variation 716651 (VCV000716651.7), dbSNP rs200365104, ClinGen allele CA10167146.

ClinVar aggregate classification (germline): Likely benign. Review status: criteria provided, multiple submitters, no conflicts (2 of 4 stars). 3 submissions from 3 submitters: Likely benign (2). 1 of the submissions does not count toward it. Last evaluated 2018-05-24.

Conditions:
TTC28-related disorder. Also called: TTC28-related condition.

Allele frequency attached by ClinVar (database versions not stated): 1000 Genomes Project 30x 0.00016; 1000 Genomes Project 0.00020; TOPMed 0.00164; gnomAD 0.00172 and 0.00177; gnomAD exomes 0.00188 and 0.00262; ESP Exome Variant Server 0.00241; ExAC 0.00341.
gnomAD v4.1: 2,941 of 1,551,254 alleles (0.19%); highest among the groups gnomAD compares: Middle Eastern, 0.18%; 15 homozygotes.

Submissions (6):

Labcorp Genetics (formerly Invitae), Labcorp
Classification: Likely benign. Last evaluated: 2018-05-24. Review status: criteria provided, single submitter. Criteria: Invitae Variant Classification Sherloc (09022015). Collection method: clinical testing. Allele origin: germline.

Breakthrough Genomics
Classification: Likely benign. Review status: criteria provided, single submitter. Criteria: ACMG Guidelines, 2015. Collection method: not provided. Allele origin: germline. Inheritance: Unknown mechanism. Affected: yes.

PreventionGenetics, part of Exact Sciences
Classification: Benign for TTC28-related condition. Last evaluated: 2019-10-28. Review status: no assertion criteria provided. Collection method: clinical testing. Allele origin: germline. Not counted in ClinVar's aggregate classification.
Comment: This variant is classified as benign based on ACMG/AMP sequence variant interpretation guidelines (Richards et al. 2015 PMID: 25741868, with internal and published modifications).

Dr. Peter K. Rogan Lab, Western University
No classification provided (evidence only). Condition: Cervical cancer. Review status: no classification provided. Collection method: in vitro. Allele origin: not applicable. Functional consequence: retained intron. Not counted in ClinVar's aggregate classification.

Dr. Peter K. Rogan Lab, Western University
No classification provided (evidence only). Condition: Sarcoma. Review status: no classification provided. Collection method: in vitro. Allele origin: not applicable. Functional consequence: retained intron. Not counted in ClinVar's aggregate classification.

Dr. Peter K. Rogan Lab, Western University
No classification provided (evidence only). Condition: Ovarian serous cystadenocarcinoma. Review status: no classification provided. Collection method: in vitro. Allele origin: not applicable. Functional consequence: retained intron. Not counted in ClinVar's aggregate classification.